The following is an entry in ClinVar:

NM_000053.4(ATP7B):c.3283C>T (p.Gln1095Ter)

Gene: ATP7B (ATPase copper transporting beta; minus strand). Cytogenetic location: 13q14.3.
Variant type: single nucleotide variant.
Coding change: c.3283C>T on transcript NM_000053.4 (MANE Select); coding-DNA position 3283, C replaced by T.
Protein change: p.Gln1095Ter; replaces glutamine 1095 with a stop codon.
Molecular consequence: nonsense.
Genome position (GRCh38, 1-based): chr13:51,942,515, G>A on the plus strand (C>T on the coding strand, the complement: ATP7B is on the minus strand). VCF-style: chr13-51942515-G-A. GRCh37 (hg19) VCF-style: chr13-52516651-G-A.
Other names: c.2662C>T, p.Gln888Ter (NM_001005918.3); c.2950C>T, p.Gln984Ter (NM_001243182.2); c.3049C>T, p.Gln1017Ter (NM_001330578.2, NM_001406527.1, NM_001406528.1 and 1 more transcripts); c.3031C>T, p.Gln1011Ter (NM_001330579.2, NM_001406531.1, NM_001406532.1); c.3283C>T, p.Gln1095Ter (NM_001406511.1, NM_001406512.1, NM_001406526.1); c.3277C>T, p.Gln1093Ter (NM_001406513.1); c.3250C>T, p.Gln1084Ter (NM_001406514.1); c.3229C>T, p.Gln1077Ter (NM_001406515.1, NM_001406516.1); and 19 more; short protein forms Q1015*, Q1047*, Q1093*, Q888*, Q901*, Q952*, Q982*, Q1011*.
Identifiers: ClinVar variation 2763373 (VCV002763373.3), dbSNP rs2547613268, ClinGen allele CA388028743.

ClinVar aggregate classification (germline): Pathogenic (1 of 4 stars; one submission).

Conditions:
Wilson disease (WND). Also called: Wilson's disease. Identifiers: Orphanet 905, MedGen C0019202, MONDO:0010200, OMIM 277900. Disease mechanism: loss of function.

Submission:

Labcorp Genetics (formerly Invitae), Labcorp
Classification: Pathogenic for Wilson disease. Last evaluated: 2023-09-26. Review status: criteria provided, single submitter. Criteria: Invitae Variant Classification Sherloc (09022015). Collection method: clinical testing. Allele origin: germline.
Comment: This sequence change creates a premature translational stop signal (p.Gln1095*) in the ATP7B gene. It is expected to result in an absent or disrupted protein product. Loss-of-function variants in ATP7B are known to be pathogenic (PMID: 10441329, 16283883). This variant is not present in population databases (gnomAD no frequency). This variant has not been reported in the literature in individuals affected with ATP7B-related conditions. For these reasons, this variant has been classified as Pathogenic.

Literature cited by the submitters: PubMed 10441329; PubMed 16283883.